The following is an entry in ClinVar:

NM_001458.5(FLNC):c.2518C>T (p.Arg840Cys)

Gene: FLNC (filamin C; plus strand). Cytogenetic location: 7q32.1.
Variant type: single nucleotide variant.
Coding change: c.2518C>T on transcript NM_001458.5 (MANE Select); coding-DNA position 2518, C replaced by T.
Protein change: p.Arg840Cys; replaces arginine 840 with cysteine.
Molecular consequence: missense variant.
Genome position (GRCh38, 1-based): chr7:128,842,922, C>T. VCF-style: chr7-128842922-C-T. GRCh37 (hg19) VCF-style: chr7-128482976-C-T.
Other names: c.2518C>T, p.Arg840Cys (NM_001127487.2); short protein forms R840C.
Identifiers: ClinVar variation 942847 (VCV000942847.12), dbSNP rs373514748, ClinGen allele CA4474752.

ClinVar aggregate classification (germline): Uncertain significance. Review status: criteria provided, multiple submitters, no conflicts (2 of 4 stars). 3 submissions from 3 submitters: Uncertain significance (3). Last evaluated 2026-01-30.

Conditions:
Cardiovascular phenotype. Identifiers: MedGen CN230736.
Myofibrillar myopathy 5. Also called: Filaminopathy (type); FILAMINOPATHY, AUTOSOMAL DOMINANT. Identifiers: Orphanet 171445, MedGen C1836050, MONDO:0012289, OMIM 609524.
Distal myopathy with posterior leg and anterior hand involvement. Also called: WILLIAMS DISTAL MYOPATHY. Identifiers: Orphanet 63273, MedGen C3279722, MONDO:0013550, OMIM 614065.
Hypertrophic cardiomyopathy 26. Also called: Cardiomyopathy, familial hypertrophic, 26. Identifiers: Orphanet 75249, MedGen C4310749, MONDO:0014883, OMIM 617047.

Allele frequency attached by ClinVar (database versions not stated): gnomAD exomes 0.00001 and 0.00002; ExAC 0.00002; TOPMed 0.00002; ESP Exome Variant Server 0.00008.
gnomAD v4.1: 19 of 1,614,010 alleles (0.0012%); highest among the groups gnomAD compares: East Asian, 0.0022%; no homozygotes.

Submissions (3):

Labcorp Genetics (formerly Invitae), Labcorp
Classification: Uncertain significance for Distal myopathy with posterior leg and anterior hand involvement; Myofibrillar myopathy 5; Hypertrophic cardiomyopathy 26. Last evaluated: 2026-01-30. Review status: criteria provided, single submitter. Criteria: Invitae Variant Classification Sherloc (09022015). Collection method: clinical testing. Allele origin: germline.
Comment: This sequence change replaces arginine, which is basic and polar, with cysteine, which is neutral and slightly polar, at codon 840 of the FLNC protein (p.Arg840Cys). This variant is present in population databases (rs373514748, gnomAD 0.004%). This variant has not been reported in the literature in individuals affected with FLNC-related conditions. ClinVar contains an entry for this variant (Variation ID: 942847). Invitae Evidence Modeling of protein sequence and biophysical properties (such as structural, functional, and spatial information, amino acid conservation, physicochemical variation, residue mobility, and thermodynamic stability) has been performed for this missense variant. However, the output from this modeling did not meet the statistical confidence thresholds required to predict the impact of this variant on FLNC protein function. In summary, the available evidence is currently insufficient to determine the role of this variant in disease. Therefore, it has been classified as a Variant of Uncertain Significance.

Ambry Genetics
Classification: Uncertain significance for Cardiovascular phenotype. Last evaluated: 2025-01-15. Review status: criteria provided, single submitter. Criteria: Ambry Variant Classification Scheme 2023. Collection method: clinical testing. Allele origin: germline.
Comment: The p.R840C variant (also known as c.2518C>T), located in coding exon 16 of the FLNC gene, results from a C to T substitution at nucleotide position 2518. The arginine at codon 840 is replaced by cysteine, an amino acid with highly dissimilar properties. This amino acid position is poorly conserved in available vertebrate species. In addition, the in silico prediction for this alteration is inconclusive. Based on the available evidence, the clinical significance of this variant remains unclear.

Revvity Omics, Revvity
Classification: Uncertain significance. Last evaluated: 2019-08-19. Review status: criteria provided, single submitter. Criteria: ACMG Guidelines, 2015. Collection method: clinical testing. Allele origin: germline.